The following is an entry in ClinVar:

ClinVar aggregate classification (germline): Uncertain significance (1 of 4 stars; one submission).

Allele frequency attached by ClinVar (database versions not stated): gnomAD exomes below 0.00001 and 0.00001; TOPMed below 0.00001.
gnomAD v4.1: 8 of 1,613,988 alleles (0.0005%); highest among the groups gnomAD compares: Non-Finnish European, 0.00017%; no homozygotes.

Submission:

Labcorp Genetics (formerly Invitae), Labcorp
Classification: Uncertain significance. Last evaluated: 2022-02-23. Review status: criteria provided, single submitter. Criteria: Invitae Variant Classification Sherloc (09022015). Collection method: clinical testing. Allele origin: germline.
Comment: This sequence change replaces threonine, which is neutral and polar, with methionine, which is neutral and non-polar, at codon 2143 of the CDH23 protein (p.Thr2143Met). This variant is present in population databases (no rsID available, gnomAD 0.002%). This variant has not been reported in the literature in individuals affected with CDH23-related conditions. Algorithms developed to predict the effect of missense changes on protein structure and function output the following: SIFT: "Deleterious"; PolyPhen-2: "Not Available"; Align-GVGD: "Class C0". The methionine amino acid residue is found in multiple mammalian species, which suggests that this missense change does not adversely affect protein function. In summary, the available evidence is currently insufficient to determine the role of this variant in disease. Therefore, it has been classified as a Variant of Uncertain Significance.

NM_022124.6(CDH23):c.6428C>T (p.Thr2143Met)

Gene: CDH23 (cadherin related 23; plus strand). Cytogenetic location: 10q22.1.
Variant type: single nucleotide variant.
Coding change: c.6428C>T on transcript NM_022124.6 (MANE Select); coding-DNA position 6428, C replaced by T.
Protein change: p.Thr2143Met; replaces threonine 2143 with methionine.
Molecular consequence: missense variant.
Genome position (GRCh38, 1-based): chr10:71,793,356, C>T. VCF-style: chr10-71793356-C-T. GRCh37 (hg19) VCF-style: chr10-73553113-C-T.
Other names: short protein forms T2143M.
Identifiers: ClinVar variation 1431401 (VCV001431401.6), dbSNP rs1442180842, ClinGen allele CA377154979.